The following is an entry in ClinVar:

NM_000277.3(PAH):c.912+1G>C

Genes: PAH (phenylalanine hydroxylase; minus strand), LOC126861615 (CDK7 strongly-dependent group 2 enhancer GRCh37_chr12:103244689-103245888; plus strand). Cytogenetic location: 12q23.2.
Variant type: single nucleotide variant.
Coding change: c.912+1G>C on transcript NM_000277.3 (MANE Select); the canonical splice donor site of the intron after coding-DNA position 912, G replaced by C.
Molecular consequence: splice donor variant.
Genome position (GRCh38, 1-based): chr12:102,851,686, C>G on the plus strand (G>C on the coding strand, the complement: PAH is on the minus strand). VCF-style: chr12-102851686-C-G. GRCh37 (hg19) VCF-style: chr12-103245464-C-G.
Other names: c.912+1G>C (NM_001354304.2).
Identifiers: ClinVar variation 987764 (VCV000987764.1), dbSNP rs62514956, ClinGen allele CA16020894.
Genomic context (GRCh38, chr12:102,851,686, plus strand): 5'-CTCATTTGAGAAATTCAGGTCACAGACCTATAACTAGAAGGCTAAAAAATCCATTCCTTA[C>G]CTGGGAAAACTGGGCAAAGCTGCGATCTGAAAACAAGGGCACATGTCCCAACAGCTCATG-3'

ClinVar aggregate classification (germline): Pathogenic (3 of 4 stars; one submission).

Conditions:
Phenylketonuria (PKU). Also called: OLIGOPHRENIA PHENYLPYRUVICA; Phenylketonuria (PKU); Phenylketonurias; FOLLING DISEASE. Identifiers: Orphanet 716, MedGen C0031485, MONDO:0009861, OMIM 261600. Disease mechanism: loss of function.

Submission:

ClinGen PAH Variant Curation Expert Panel
Classification: Pathogenic for Phenylketonuria. Last evaluated: 2020-07-24. Review status: reviewed by expert panel. Criteria: ClinGen PAH ACMG Specifications v1. Collection method: curation. Allele origin: germline. Inheritance: Autosomal recessive inheritance.
Comment: The c.912+1G>C variant in PAH is a canonical splice donor in which exon skipping disrupts the reading frame and is predicted to undergo nonsense mediated-decay. This variant was reported in 2 patients with PKU (PMID 25550961, 31332730). Additionally, this variant is absent from population databases. In summary, this variant meets criteria to be classified as pathogenic for PAH. PAH-specific ACMG/AMP criteria applied: PVS1, PM2, and PP4.